The following is an entry in ClinVar:

NM_032444.4(SLX4):c.1231C>T (p.Arg411Trp)

Gene: SLX4 (SLX4 structure-specific endonuclease subunit; minus strand). Cytogenetic location: 16p13.3.
Variant type: single nucleotide variant.
Coding change: c.1231C>T on transcript NM_032444.4 (MANE Select); coding-DNA position 1231, C replaced by T.
Protein change: p.Arg411Trp; replaces arginine 411 with tryptophan.
Molecular consequence: missense variant.
Genome position (GRCh38, 1-based): chr16:3,597,932, G>A on the plus strand (C>T on the coding strand, the complement: SLX4 is on the minus strand). VCF-style: chr16-3597932-G-A. GRCh37 (hg19) VCF-style: chr16-3647933-G-A.
Other names: short protein forms R411W.
Identifiers: ClinVar variation 1477047 (VCV001477047.6), dbSNP rs761227900, ClinGen allele CA7866585.

ClinVar aggregate classification (germline): Uncertain significance (1 of 4 stars; one submission).

Conditions:
Fanconi anemia (FA). Also called: Fanconi's anemia. Identifiers: Orphanet 84, MedGen C0015625, MeSH D005199, MONDO:0019391.

Allele frequency attached by ClinVar (database versions not stated): ExAC 0.00002; gnomAD exomes 0.00002 and 0.00003; gnomAD 0.00003; TOPMed 0.00003.
gnomAD v4.1: 53 of 1,613,996 alleles (0.0033%); highest among the groups gnomAD compares: East Asian, 0.013%; no homozygotes.

Submission:

Labcorp Genetics (formerly Invitae), Labcorp
Classification: Uncertain significance for Fanconi anemia. Last evaluated: 2024-01-08. Review status: criteria provided, single submitter. Criteria: Invitae Variant Classification Sherloc (09022015). Collection method: clinical testing. Allele origin: germline.
Comment: This sequence change replaces arginine, which is basic and polar, with tryptophan, which is neutral and slightly polar, at codon 411 of the SLX4 protein (p.Arg411Trp). This variant is present in population databases (rs761227900, gnomAD 0.01%). This variant has not been reported in the literature in individuals affected with SLX4-related conditions. ClinVar contains an entry for this variant (Variation ID: 1477047). Algorithms developed to predict the effect of missense changes on protein structure and function output the following: SIFT: "Not Available"; PolyPhen-2: "Benign"; Align-GVGD: "Not Available". The tryptophan amino acid residue is found in multiple mammalian species, which suggests that this missense change does not adversely affect protein function. In summary, the available evidence is currently insufficient to determine the role of this variant in disease. Therefore, it has been classified as a Variant of Uncertain Significance.